The following is an entry in ClinVar:

ClinVar aggregate classification (germline): Uncertain significance. Review status: criteria provided, multiple submitters, no conflicts (2 of 4 stars). 2 submissions from 2 submitters: Uncertain significance (2). Last evaluated 2024-10-28.

Conditions:
Klippel-Feil anomaly-myopathy-facial dysmorphism syndrome. Also called: Klippel-feil syndrome 4, autosomal recessive, with nemaline myopathy and facial dysmorphism; Klippel-Feil syndrome 4, autosomal recessive, with myopathy and facial dysmorphism. Identifiers: Orphanet 447974, MedGen C4225285, MONDO:0014689, OMIM 616549.

Allele frequency attached by ClinVar (database versions not stated): 1000 Genomes Project 0.00020; gnomAD 0.00001 and 0.00002; ExAC 0.00007; 1000 Genomes Project 30x 0.00016; gnomAD exomes 0.00002 and 0.00005; TOPMed 0.00003.
gnomAD v4.1: 33 of 1,608,144 alleles (0.0021%); highest among the groups gnomAD compares: Middle Eastern, 0.017%; no homozygotes.

Submissions (2):

Revvity Omics, Revvity
Classification: Uncertain significance for Klippel-Feil anomaly-myopathy-facial dysmorphism syndrome. Last evaluated: 2024-10-28. Review status: criteria provided, single submitter. Criteria: ACMG Guidelines, 2015. Collection method: clinical testing. Allele origin: germline.

Labcorp Genetics (formerly Invitae), Labcorp
Classification: Uncertain significance. Last evaluated: 2023-03-17. Review status: criteria provided, single submitter. Criteria: Invitae Variant Classification Sherloc (09022015). Collection method: clinical testing. Allele origin: germline.
Comment: This variant has not been reported in the literature in individuals affected with MYO18B-related conditions. This variant is present in population databases (rs569167835, gnomAD 0.02%). This sequence change replaces serine, which is neutral and polar, with leucine, which is neutral and non-polar, at codon 428 of the MYO18B protein (p.Ser428Leu). ClinVar contains an entry for this variant (Variation ID: 1348934). In summary, the available evidence is currently insufficient to determine the role of this variant in disease. Therefore, it has been classified as a Variant of Uncertain Significance. Algorithms developed to predict the effect of missense changes on protein structure and function output the following: SIFT: "Not Available"; PolyPhen-2: "Benign"; Align-GVGD: "Not Available". The leucine amino acid residue is found in multiple mammalian species, which suggests that this missense change does not adversely affect protein function.

NM_032608.7(MYO18B):c.1283C>T (p.Ser428Leu)

Gene: MYO18B (myosin XVIIIB; plus strand). Cytogenetic location: 22q12.1.
Variant type: single nucleotide variant.
Coding change: c.1283C>T on transcript NM_032608.7 (MANE Select); coding-DNA position 1283, C replaced by T.
Protein change: p.Ser428Leu; replaces serine 428 with leucine.
Molecular consequence: missense variant.
Genome position (GRCh38, 1-based): chr22:25,769,199, C>T. VCF-style: chr22-25769199-C-T. GRCh37 (hg19) VCF-style: chr22-26165166-C-T.
Other names: c.1283C>T, p.Ser428Leu (NM_001318245.2); short protein forms S428L.
Identifiers: ClinVar variation 1348934 (VCV001348934.7), dbSNP rs569167835, ClinGen allele CA10159798.